The following is an entry in ClinVar:

NM_206933.4(USH2A):c.8654G>A (p.Trp2885Ter)

Gene: USH2A (usherin; minus strand). Cytogenetic location: 1q41.
Variant type: single nucleotide variant.
Coding change: c.8654G>A on transcript NM_206933.4 (MANE Select); coding-DNA position 8654, G replaced by A.
Protein change: p.Trp2885Ter; replaces tryptophan 2885 with a stop codon.
Molecular consequence: nonsense.
Genome position (GRCh38, 1-based): chr1:215,877,785, C>T on the plus strand (G>A on the coding strand, the complement: USH2A is on the minus strand). VCF-style: chr1-215877785-C-T. GRCh37 (hg19) VCF-style: chr1-216051127-C-T.
Other names: c.8654G>A (NM_206933.2); short protein forms W2885*.
Identifiers: ClinVar variation 3657649 (VCV003657649.6).
Genomic context (GRCh38, chr1:215,877,785, plus strand): 5'-CAGCATTTGTTTTTATAGTTTTTGTAATCTCACCTGCTAAGACCCTTATCTTCATAAAGC[C>T]ACTGAGTTCCTGAATAAATATTGTGCCACCGATTTAAATCTTCTGGGGGATTTGATGCAA-3'

ClinVar aggregate classification (germline): Pathogenic/Likely pathogenic. Review status: criteria provided, multiple submitters, no conflicts (2 of 4 stars). 4 submissions from 4 submitters: Pathogenic (2); Likely pathogenic (2). Last evaluated 2025-03-27.

Conditions:
USH2A-related disorder. Also called: USH2A-related condition; USH2A-related disorders. Identifiers: MedGen CN239332.
Usher syndrome type 2A. Also called: RETINAL DISEASE IN USHER SYNDROME TYPE IIA, MODIFIER OF; USHER SYNDROME, TYPE IIA. Identifiers: Orphanet 231178, Orphanet 886, MedGen C1848634, MONDO:0010169, OMIM 276901.
Retinitis pigmentosa 39 (RP39). Identifiers: Orphanet 791, MedGen C3151138, MONDO:0013436, OMIM 613809.

Submissions (4):

Natera, Inc.
Classification: Likely pathogenic for Usher syndrome type 2A. Last evaluated: 2025-03-27. Review status: criteria provided, single submitter. Criteria: Natera Variant Classification Schema (03/2026). Collection method: clinical testing. Allele origin: germline.
Comment: The c.8654G>A variant in USH2A is a nonsense variant predicted to introduce a stop codon at amino acid 2885. This variant is expected to result in nonsense mediated decay, truncation, or a dysfunctional protein product. This variant is rare in the general population with a frequency below the threshold expected for the associated phenotype(s). Given the available evidence, this variant is classified as Likely Pathogenic.

3billion
Classification: Likely pathogenic for Retinitis pigmentosa 39. Last evaluated: 2025-02-10. Review status: criteria provided, single submitter. Criteria: ACMG Guidelines, 2015. Collection method: clinical testing. Allele origin: germline. Affected: yes.
Comment: The variant is not observed in the gnomAD v4.1.0 dataset. Predicted Consequence/Location: Stop-gained (nonsense): predicted to result in a loss or disruption of normal protein function through nonsense-mediated decay (NMD) or protein truncation. Multiple pathogenic variants are reported downstream of the variant. Therefore, this variant is classified as Likely pathogenic according to the recommendation of ACMG/AMP guideline.

Labcorp Genetics (formerly Invitae), Labcorp
Classification: Pathogenic. Last evaluated: 2024-06-24. Review status: criteria provided, single submitter. Criteria: Invitae Variant Classification Sherloc (09022015). Collection method: clinical testing. Allele origin: germline.
Comment: This sequence change creates a premature translational stop signal (p.Trp2885*) in the USH2A gene. It is expected to result in an absent or disrupted protein product. Loss-of-function variants in USH2A are known to be pathogenic (PMID: 10729113, 10909849, 20507924, 25649381). This variant is not present in population databases (gnomAD no frequency). This variant has not been reported in the literature in individuals affected with USH2A-related conditions. For these reasons, this variant has been classified as Pathogenic.

Myriad Genetics, Inc.
Classification: Pathogenic for USH2A-related disorder. Last evaluated: 2024-01-22. Review status: criteria provided, single submitter. Criteria: Myriad Autosomal Dominant, Autosomal Recessive and X-Linked Classification Criteria (2023). Collection method: clinical testing. Allele origin: unknown.
Comment: NM_206933.2(USH2A):c.8654G>A(W2885*) is expected to be pathogenic in the context of USH2A-related disorders. This variant is predicted to lead to an abnormal or absent protein product due to the creation of a premature termination codon in USH2A, a gene where loss-of-function variants are known to be pathogenic. Please note: this variant was assessed in the context of healthy population screening.

Literature cited by the submitters: PubMed 10729113 (cited by Labcorp Genetics (formerly Invitae), Labcorp); PubMed 10909849 (cited by Labcorp Genetics (formerly Invitae), Labcorp); PubMed 20507924 (cited by Labcorp Genetics (formerly Invitae), Labcorp); PubMed 25649381 (cited by Labcorp Genetics (formerly Invitae), Labcorp).